The following is an entry in ClinVar:

ClinVar aggregate classification (germline): Uncertain significance (1 of 4 stars; one submission).

Conditions:
Familial temporal lobe epilepsy 7. Identifiers: Orphanet 101046, MedGen C4225327, MONDO:0014639, OMIM 616436.
Norman-Roberts syndrome (LIS2). Also called: Lissencephaly 2 (Norman-Roberts type). Identifiers: Orphanet 89844, MedGen C0796089, MONDO:0009760, OMIM 257320.

gnomAD v4.1: 7 of 1,517,468 alleles (0.00046%); highest among the groups gnomAD compares: Non-Finnish European, 0.00064%; no homozygotes.

Submission:

Labcorp Genetics (formerly Invitae), Labcorp
Classification: Uncertain significance for Familial temporal lobe epilepsy 7; Norman-Roberts syndrome. Last evaluated: 2024-04-25. Review status: criteria provided, single submitter. Criteria: Invitae Variant Classification Sherloc (09022015). Collection method: clinical testing. Allele origin: germline.
Comment: This sequence change replaces leucine, which is neutral and non-polar, with histidine, which is basic and polar, at codon 1849 of the RELN protein (p.Leu1849His). This variant is present in population databases (rs751971003, gnomAD 0.007%). This variant has not been reported in the literature in individuals affected with RELN-related conditions. Advanced modeling of protein sequence and biophysical properties (such as structural, functional, and spatial information, amino acid conservation, physicochemical variation, residue mobility, and thermodynamic stability) performed at Invitae indicates that this missense variant is not expected to disrupt RELN protein function with a negative predictive value of 80%. In summary, the available evidence is currently insufficient to determine the role of this variant in disease. Therefore, it has been classified as a Variant of Uncertain Significance.

NM_005045.4(RELN):c.5546T>A (p.Leu1849His)

Gene: RELN (reelin; minus strand). Cytogenetic location: 7q22.1.
Variant type: single nucleotide variant.
Coding change: c.5546T>A on transcript NM_005045.4 (MANE Select); coding-DNA position 5546, T replaced by A.
Protein change: p.Leu1849His; replaces leucine 1849 with histidine.
Molecular consequence: missense variant.
Genome position (GRCh38, 1-based): chr7:103,558,033, A>T on the plus strand (T>A on the coding strand, the complement: RELN is on the minus strand). VCF-style: chr7-103558033-A-T. GRCh37 (hg19) VCF-style: chr7-103198480-A-T.
Other names: c.5546T>A, p.Leu1849His (NM_173054.3); short protein forms L1849H.
Identifiers: ClinVar variation 3750509 (VCV003750509.2).